The following is an entry in ClinVar:

ClinVar aggregate classification (germline): Uncertain significance (1 of 4 stars; one submission).

Conditions:
Early-infantile DEE. Also called: Early infantile epileptic encephalopathy; Ohtahara syndrome; Early infantile epileptic encephalopathy with suppression bursts. Identifiers: Orphanet 1934, MedGen C0393706, MONDO:0800491.

gnomAD v4.1: 6 of 151,064 alleles (0.004%); highest among the groups gnomAD compares: African/African-American, 0.015%; no homozygotes.

Submission:

Labcorp Genetics (formerly Invitae), Labcorp
Classification: Uncertain significance for Early-infantile DEE. Last evaluated: 2025-08-14. Review status: criteria provided, single submitter. Criteria: Invitae Variant Classification Sherloc (09022015). Collection method: clinical testing. Allele origin: germline.
Comment: This sequence change falls in intron 20 of the SCN1A gene. It does not directly change the encoded amino acid sequence of the SCN1A protein. However, this sequence change falls within a region encompassing a cryptic exon in the SCN1A gene, in which variants have been shown to alter splicing (PMID: 30526861, 34107977). This variant is present in population databases (no rsID available, gnomAD 0.02%). This variant has not been reported in the literature in individuals affected with SCN1A-related conditions. Algorithms developed to predict the effect of sequence changes on RNA splicing suggest that this variant is not likely to affect RNA splicing. In summary, the available evidence is currently insufficient to determine the role of this variant in disease. Therefore, it has been classified as a Variant of Uncertain Significance.

Literature cited by the submitters: PubMed 30526861; PubMed 34107977.

NM_001165963.4(SCN1A):c.4002+2413C>A

Genes: SCN1A (sodium voltage-gated channel alpha subunit 1; minus strand), LOC102724058 (uncharacterized LOC102724058; plus strand). Cytogenetic location: 2q24.3.
Variant type: single nucleotide variant.
Coding change: c.4002+2413C>A on transcript NM_001165963.4 (MANE Select); 2413 bases into the intron after coding-DNA position 4002, C replaced by A.
Molecular consequence: intron variant.
Genome position (GRCh38, 1-based): chr2:166,007,306, G>T on the plus strand (C>A on the coding strand, the complement: SCN1A is on the minus strand). VCF-style: chr2-166007306-G-T. GRCh37 (hg19) VCF-style: chr2-166863816-G-T.
Other names: c.3969+2413C>A (NM_001353949.2, NM_001353950.2, NM_001353951.2 and 2 more transcripts); c.3918+2413C>A (NM_001353958.2, NM_001353957.2, NM_001165964.3); c.4002+2413C>A (NM_001202435.3, NM_001353948.2); c.3966+2413C>A (NM_001353955.2, NM_001353954.2); c.3915+2413C>A (NM_001353960.2); c.1560+2413C>A (NM_001353961.2).
Identifiers: ClinVar variation 4694295 (VCV004694295.1).